The following is an entry in ClinVar:

NM_001035.3(RYR2):c.11226_11229del (p.Thr3743fs)

Gene: RYR2 (ryanodine receptor 2; plus strand). Cytogenetic location: 1q43.
Variant type: Deletion.
Coding change: c.11226_11229del on transcript NM_001035.3 (MANE Select); coding-DNA positions 11226 to 11229, 4 bases deleted (GACA; older notation c.11226_11229delGACA).
Protein change: p.Thr3743fs; shifts the reading frame from threonine 3743.
Molecular consequence: frameshift variant.
Genome position (GRCh38, 1-based): chr1:237,756,368-237,756,371, GACA deleted; deleting any 4 consecutive bases within chr1:237,756,365-237,756,371 gives the same sequence; the c. name uses the placement nearest the transcript's 3' end. VCF-style (leftmost placement, unchanged base first): chr1-237756364-TACAG-T. GRCh37 (hg19) VCF-style: chr1-237919664-TACAG-T.
Other names: short protein forms T3743fs.
Identifiers: ClinVar variation 2568268 (VCV002568268.2), dbSNP rs2527394770, ClinGen allele CA2580611246.
Genomic context (GRCh38, chr1:237,756,364, plus strand): 5'-AGCAAAAGCTTCTATACCAGCAAGCCCGACTCCACGATCGTGGCGCGGCTGAGATGGTGC[TACAG>T]ACAATCAGTGCCAGCAAAGGTAAGGTTCCTTGAGTTCCCCTCACGAGTGTCTGTTCTTCA-3'

ClinVar aggregate classification (germline): Uncertain significance (1 of 4 stars; one submission).

Conditions:
Cardiovascular phenotype. Identifiers: MedGen CN230736.

Submission:

Ambry Genetics
Classification: Uncertain significance for Cardiovascular phenotype. Last evaluated: 2023-05-18. Review status: criteria provided, single submitter. Criteria: Ambry Variant Classification Scheme 2023. Collection method: clinical testing. Allele origin: germline.
Comment: The c.11226_11229delGACA variant, located in coding exon 81 of the RYR2 gene, results from a deletion of 4 nucleotides at nucleotide positions 11226 to 11229, causing a translational frameshift with a predicted alternate stop codon (p.T3743Sfs*12). This alteration is expected to result in protein truncation or nonsense-mediated mRNA decay. However, loss of function of RYR2 has not been established as a mechanism of disease. Since supporting evidence is limited at this time, the clinical significance of this alteration remains unclear.